The following is an entry in ClinVar:

ClinVar aggregate classification (germline): Pathogenic. Review status: reviewed by expert panel (3 of 4 stars). 2 submissions from 2 submitters: Pathogenic (1). 1 of the submissions does not count toward it. Last evaluated 2017-12-15.

Conditions:
Familial cancer of breast. Also called: BREAST CANCER, FAMILIAL; Hereditary breast cancer; hereditary breast carcinoma. Identifiers: Orphanet 227535, MedGen C0346153, MONDO:0016419, OMIM 114480. Disease mechanism: loss of function.
Breast-ovarian cancer, familial, susceptibility to, 2 (BROVCA2). Also called: BRCA2 Hereditary Breast and Ovarian Cancer. Identifiers: Orphanet 145, MedGen C2675520, MONDO:0012933, OMIM 612555. Disease mechanism: loss of function.

Submissions (2):

Evidence-based Network for the Interpretation of Germline Mutant Alleles (ENIGMA)
Classification: Pathogenic for Breast-ovarian cancer, familial, susceptibility to, 2. Last evaluated: 2017-12-15. Review status: reviewed by expert panel. Criteria: ENIGMA BRCA1/2 Classification Criteria (2017-06-29). Collection method: curation. Allele origin: germline. Study: ENIGMA.
Comment: Variant allele predicted to encode a truncated non-functional protein.

ClinVar Staff, National Center for Biotechnology Information (NCBI)
No classification provided. Condition: Familial cancer of breast. Review status: no classification provided. Collection method: literature only. Allele origin: germline. Affected: yes. Not counted in ClinVar's aggregate classification.

Literature cited by the submitters: PubMed 15131399 (cited by ClinVar Staff, National Center for Biotechnology Information (NCBI)).

NM_000059.4(BRCA2):c.1335_1338del (p.Leu446fs)

Gene: BRCA2 (BRCA2 DNA repair associated; plus strand). Cytogenetic location: 13q13.1.
Variant type: Deletion.
Coding change: c.1335_1338del on transcript NM_000059.4 (MANE Select); coding-DNA positions 1335 to 1338, 4 bases deleted (TTTG; older notation c.1335_1338delTTTG).
Protein change: p.Leu446fs; shifts the reading frame from leucine 446.
Molecular consequence: frameshift variant.
Genome position (GRCh38, 1-based): chr13:32,332,813-32,332,816, TTTG deleted. VCF-style (leftmost placement, unchanged base first): chr13-32332812-CTTTG-C. GRCh37 (hg19) VCF-style: chr13-32906949-CTTTG-C.
Other names: c.1335_1338delTTTG (NM_000059.3); short protein forms L446fs.
Identifiers: ClinVar variation 51103 (VCV000051103.3), dbSNP rs397507580, ClinGen allele CA011655.